The following is an entry in ClinVar:

ClinVar aggregate classification (germline): Uncertain significance. Review status: criteria provided, multiple submitters, no conflicts (2 of 4 stars). 2 submissions from 2 submitters: Uncertain significance (2). Last evaluated 2024-01-10.

Conditions:
Hereditary cancer-predisposing syndrome. Also called: Hereditary neoplastic syndrome; Tumor predisposition; Neoplastic Syndromes, Hereditary; Hereditary Cancer Syndrome. Identifiers: Orphanet 140162, MedGen C0027672, MeSH D009386, MONDO:0015356.

Submissions (2):

Ambry Genetics
Classification: Uncertain significance for Hereditary cancer-predisposing syndrome. Last evaluated: 2024-01-10. Review status: criteria provided, single submitter. Criteria: Ambry Variant Classification Scheme 2023. Collection method: clinical testing. Allele origin: germline.
Comment: The p.P23R variant (also known as c.68C>G), located in coding exon 3 of the SMARCE1 gene, results from a C to G substitution at nucleotide position 68. The proline at codon 23 is replaced by arginine, an amino acid with dissimilar properties. This amino acid position is well conserved in available vertebrate species. In addition, the in silico prediction for this alteration is inconclusive. Missense and in-frame variants in SMARCE1 are known to cause neurodevelopmental disorders; however, such associations with increased risk of meningiomas are exceedingly rare (Kosho T et al. Am J Med Genet C Semin Med Genet. 2014 Sep;166C(3):262-75; Smith JM et al. Nat Genet. 2013 Mar;45(3):295-8). Since supporting evidence is limited at this time, the clinical significance of this alteration remains unclear.

GeneDx
Classification: Uncertain significance. Last evaluated: 2022-01-17. Review status: criteria provided, single submitter. Criteria: GeneDx Variant Classification Process June 2021. Collection method: clinical testing. Allele origin: germline. Affected: yes.
Comment: Not observed at significant frequency in large population cohorts (gnomAD); In silico analysis supports that this missense variant has a deleterious effect on protein structure/function; Has not been previously published as pathogenic or benign to our knowledge

NM_003079.5(SMARCE1):c.68C>G (p.Pro23Arg)

Gene: SMARCE1 (SWI/SNF related BAF chromatin remodeling complex subunit E1; minus strand). Cytogenetic location: 17q21.2.
Variant type: single nucleotide variant.
Coding change: c.68C>G on transcript NM_003079.5 (MANE Select); coding-DNA position 68, C replaced by G.
Protein change: p.Pro23Arg; replaces proline 23 with arginine.
Molecular consequence: missense variant.
Genome position (GRCh38, 1-based): chr17:40,642,543, G>C on the plus strand (C>G on the coding strand, the complement: SMARCE1 is on the minus strand). VCF-style: chr17-40642543-G-C. GRCh37 (hg19) VCF-style: chr17-38798795-G-C.
Other names: short protein forms P23R.
Identifiers: ClinVar variation 1697120 (VCV001697120.3), dbSNP rs2144009244, ClinGen allele CA399369974.